The following is an entry in ClinVar:

NM_001367479.1(DNAH14):c.5177G>A (p.Arg1726His)

Gene: DNAH14 (dynein axonemal heavy chain 14; plus strand). Cytogenetic location: 1q42.12.
Variant type: single nucleotide variant.
Coding change: c.5177G>A on transcript NM_001367479.1 (MANE Select); coding-DNA position 5177, G replaced by A.
Protein change: p.Arg1726His; replaces arginine 1726 with histidine.
Molecular consequence: missense variant.
Genome position (GRCh38, 1-based): chr1:225,152,864, G>A. VCF-style: chr1-225152864-G-A. GRCh37 (hg19) VCF-style: chr1-225340566-G-A.
Other names: NM_001373.1:c.5126G>A; short protein forms R1726H.
Identifiers: ClinVar variation 3503191 (VCV003503191.2).
Genomic context (GRCh38, chr1:225,152,864, plus strand): 5'-TTGGTTTCAAATCTGCAAATTCACTCTCTGGAAAGCTAACTAACCTTTATGAATTAGCGC[G>A]CAAACAGCTCTCACAACAGGTAAATAGCTACTTTTCTCAAAATATTTAAAGGTGATTATA-3'
Protein context (NP_001354408.1, residues 1716-1736): GKLTNLYELA[Arg1726His]KQLSQQDHYN

ClinVar aggregate classification (germline): Uncertain significance. Review status: criteria provided, multiple submitters, no conflicts (2 of 4 stars). 2 submissions from 2 submitters: Uncertain significance (2). Last evaluated 2026-03-15.

gnomAD v4.1: 150 of 1,550,024 alleles (0.0097%); highest among the groups gnomAD compares: Middle Eastern, 0.037%; no homozygotes.

Submissions (2):

GeneDx
Classification: Uncertain significance. Last evaluated: 2026-03-15. Review status: criteria provided, single submitter. Criteria: GeneDx Variant Classification Process June 2021. Collection method: clinical testing. Allele origin: germline.
Comment: In silico analysis suggests that this missense variant does not alter protein structure/function; Has not been previously published as pathogenic or benign to our knowledge

Ambry Genetics
Classification: Uncertain significance. Last evaluated: 2024-08-12. Review status: criteria provided, single submitter. Criteria: Ambry Variant Classification Scheme 2023. Collection method: clinical testing. Allele origin: germline.